The following is an entry in ClinVar:

NM_177939.3(P4HTM):c.85del (p.His29fs)

Genes: P4HTM (prolyl 4-hydroxylase, transmembrane; plus strand), LOC129936725 (ATAC-STARR-seq lymphoblastoid silent region 14344; plus strand). Cytogenetic location: 3p21.31.
Variant type: Deletion.
Coding change: c.85del on transcript NM_177939.3 (MANE Select); coding-DNA position 85, one base deleted (C; older notation c.85delC).
Protein change: p.His29fs; shifts the reading frame from histidine 29.
Molecular consequence: frameshift variant.
Genome position (GRCh38, 1-based): chr3:48,990,341, C deleted; the last of 2 consecutive C bases (chr3:48,990,340-48,990,341); deleting either gives the same sequence. VCF-style (leftmost placement, unchanged base first): chr3-48990339-AC-A. GRCh37 (hg19) VCF-style: chr3-49027772-AC-A.
Other names: c.85del, p.His29fs (NM_177938.2); c.85delC (NM_177938.2); short protein forms H29fs.
Identifiers: ClinVar variation 4998927 (VCV004998927.1).

ClinVar aggregate classification (germline): Likely pathogenic (1 of 4 stars; one submission).

Conditions:
P4HTM-related disorder. Also called: P4HTM-related condition.

Submission:

PreventionGenetics, part of Exact Sciences
Classification: Likely pathogenic for P4HTM-related condition. Last evaluated: 2024-10-27. Review status: criteria provided, single submitter. Criteria: ACMG Guidelines, 2015. Collection method: clinical testing. Allele origin: germline.
Comment: The P4HTM c.85delC variant is predicted to result in a frameshift and premature protein termination (p.His29Thrfs*36). To our knowledge, this variant has not been reported in the literature or in a large population database (gnomAD), indicating this variant is rare. Frameshift variants in P4HTM are expected to be pathogenic. This variant is interpreted as likely pathogenic.